The following is an entry in ClinVar:

ClinVar aggregate classification (germline): Uncertain significance. Review status: criteria provided, multiple submitters, no conflicts (2 of 4 stars). 2 submissions from 2 submitters: Uncertain significance (2). Last evaluated 2020-12-16.

Conditions:
Brugada syndrome. Also called: Sudden unexpected nocturnal death syndrome; Sudden unexplained nocturnal death syndrome; Sudden Unexplained Death Syndrome; Sudden Unexplained Nocturnal Death Syndrome (SUNDS). Identifiers: Orphanet 130, MedGen C1142166, MONDO:0015263.

Allele frequency attached by ClinVar (database versions not stated): gnomAD exomes below 0.00001; TOPMed 0.00001.
gnomAD v4.1: 5 of 1,614,120 alleles (0.00031%); highest among the groups gnomAD compares: South Asian, 0.0011%; no homozygotes.

Submissions (2):

Labcorp Genetics (formerly Invitae), Labcorp
Classification: Uncertain significance for Brugada syndrome. Last evaluated: 2020-12-16. Review status: criteria provided, single submitter. Criteria: Invitae Variant Classification Sherloc (09022015). Collection method: clinical testing. Allele origin: germline.
Comment: This sequence change replaces arginine with histidine at codon 1582 of the SCN10A protein (p.Arg1582His). The arginine residue is moderately conserved and there is a small physicochemical difference between arginine and histidine. This variant is not present in population databases (ExAC no frequency). This variant has been observed in individual(s) with clinical features of small fiber neuropathy (PMID: 25250524). Advanced modeling of protein sequence and biophysical properties (such as structural, functional, and spatial information, amino acid conservation, physicochemical variation, residue mobility, and thermodynamic stability) performed at Invitae indicates that this missense variant is expected to disrupt SCN10A protein function. In summary, the available evidence is currently insufficient to determine the role of this variant in disease. Therefore, it has been classified as a Variant of Uncertain Significance.

Blueprint Genetics
Classification: Uncertain significance. Last evaluated: 2020-01-10. Review status: criteria provided, single submitter. Criteria: ACMG Guidelines, 2015. Collection method: clinical testing. Allele origin: germline.

Literature cited by the submitters: PubMed 25250524 (cited by Labcorp Genetics (formerly Invitae), Labcorp).

NM_006514.4(SCN10A):c.4745G>A (p.Arg1582His)

Gene: SCN10A (sodium voltage-gated channel alpha subunit 10; minus strand). Cytogenetic location: 3p22.2.
Variant type: single nucleotide variant.
Coding change: c.4745G>A on transcript NM_006514.4 (MANE Select); coding-DNA position 4745, G replaced by A.
Protein change: p.Arg1582His; replaces arginine 1582 with histidine.
Molecular consequence: missense variant.
Genome position (GRCh38, 1-based): chr3:38,698,475, C>T on the plus strand (G>A on the coding strand, the complement: SCN10A is on the minus strand). VCF-style: chr3-38698475-C-T. GRCh37 (hg19) VCF-style: chr3-38739966-C-T.
Other names: c.4742G>A, p.Arg1581His (NM_001293306.2); c.4451G>A, p.Arg1484His (NM_001293307.2); short protein forms R1581H, R1484H, R1582H.
Identifiers: ClinVar variation 1349620 (VCV001349620.9), dbSNP rs759164988, ClinGen allele CA72947560.
Genomic context (GRCh38, chr3:38,698,475, plus strand): 5'-ATCATGAGGGCAAAGAGCAGTGTGCGGATCCCCTTGGCCGCTCGGATCAGTCTGAGGATG[C>T]GGCCAATTCGGGCCAGGCGGATGACTCTGAAGAGCGTTGGGGAGAAGTAACTTTGAAGTG-3'
Protein context (NP_006505.4, residues 1572-1592): FRVIRLARIG[Arg1582His]ILRLIRAAKG